The following is an entry in ClinVar:

ClinVar aggregate classification (germline): Conflicting classifications of pathogenicity. Review status: criteria provided, conflicting classifications (1 of 4 stars). 2 submissions from 2 submitters: Uncertain significance (1); Likely benign (1). Last evaluated 2026-06-02.

Conditions:
Renal cell carcinoma. Identifiers: Orphanet 217071, MedGen C0007134, MeSH D002292, MONDO:0005086, HP:0005584.
Hereditary cancer-predisposing syndrome. Also called: Tumor predisposition; Neoplastic Syndromes, Hereditary; Hereditary neoplastic syndrome; Hereditary Cancer Syndrome. Identifiers: Orphanet 140162, MedGen C0027672, MeSH D009386, MONDO:0015356.

Allele frequency attached by ClinVar (database versions not stated): gnomAD exomes 0.00001 and below 0.00001.

Submissions (2):

Ambry Genetics
Classification: Likely benign for Hereditary cancer-predisposing syndrome. Last evaluated: 2026-06-02. Review status: criteria provided, single submitter. Criteria: Ambry Variant Classification Scheme 2023. Collection method: clinical testing. Allele origin: germline.

Labcorp Genetics (formerly Invitae), Labcorp
Classification: Uncertain significance for Renal cell carcinoma. Last evaluated: 2022-01-17. Review status: criteria provided, single submitter. Criteria: Invitae Variant Classification Sherloc (09022015). Collection method: clinical testing. Allele origin: germline.
Comment: This sequence change replaces histidine, which is basic and polar, with tyrosine, which is neutral and polar, at codon 150 of the MET protein (p.His150Tyr). This variant is present in population databases (no rsID available, gnomAD 0.004%). In summary, the available evidence is currently insufficient to determine the role of this variant in disease. Therefore, it has been classified as a Variant of Uncertain Significance. Algorithms developed to predict the effect of missense changes on protein structure and function (SIFT, PolyPhen-2, Align-GVGD) all suggest that this variant is likely to be tolerated. ClinVar contains an entry for this variant (Variation ID: 824933). This variant has not been reported in the literature in individuals affected with MET-related conditions.

NM_000245.4(MET):c.448C>T (p.His150Tyr)

Gene: MET (MET proto-oncogene, receptor tyrosine kinase; plus strand). Cytogenetic location: 7q31.2.
Variant type: single nucleotide variant.
Coding change: c.448C>T on transcript NM_000245.4 (MANE Select); coding-DNA position 448, C replaced by T.
Protein change: p.His150Tyr; replaces histidine 150 with tyrosine.
Molecular consequence: missense variant. On other transcripts: intron variant (1).
Genome position (GRCh38, 1-based): chr7:116,699,532, C>T. VCF-style: chr7-116699532-C-T. GRCh37 (hg19) VCF-style: chr7-116339586-C-T.
Other names: c.448C>T, p.His150Tyr (NM_001127500.3, NM_001324401.3); c.-91+26955C>T (NM_001324402.2); short protein forms H150Y.
Identifiers: ClinVar variation 824933 (VCV000824933.15), dbSNP rs1436957498, ClinGen allele CA368969104.